The following is an entry in ClinVar:

ClinVar aggregate classification (germline): Uncertain significance. Review status: criteria provided, multiple submitters, no conflicts (2 of 4 stars). 3 submissions from 3 submitters: Uncertain significance (3). Last evaluated 2022-08-21.

Conditions:
LAMA2-related muscular dystrophy (LAMA2-RD). Also called: Laminin alpha 2-related dystrophy. Identifiers: MedGen C5679788, MONDO:0100228.
Congenital muscular dystrophy due to partial LAMA2 deficiency. Identifiers: MedGen C1842898.

Allele frequency attached by ClinVar (database versions not stated): gnomAD exomes below 0.00001 and 0.00001; TOPMed below 0.00001; ExAC 0.00002; ESP Exome Variant Server 0.00008.
gnomAD v4.1: 7 of 1,614,210 alleles (0.00043%); highest among the groups gnomAD compares: Non-Finnish European, 0.00059%; no homozygotes.

Submissions (3):

Labcorp Genetics (formerly Invitae), Labcorp
Classification: Uncertain significance for LAMA2-related muscular dystrophy. Last evaluated: 2022-08-21. Review status: criteria provided, single submitter. Criteria: Invitae Variant Classification Sherloc (09022015). Collection method: clinical testing. Allele origin: germline.
Comment: This sequence change replaces cysteine, which is neutral and slightly polar, with arginine, which is basic and polar, at codon 1420 of the LAMA2 protein (p.Cys1420Arg). This variant is present in population databases (rs145592885, gnomAD 0.003%). This variant has not been reported in the literature in individuals affected with LAMA2-related conditions. ClinVar contains an entry for this variant (Variation ID: 907948). Advanced modeling of protein sequence and biophysical properties (such as structural, functional, and spatial information, amino acid conservation, physicochemical variation, residue mobility, and thermodynamic stability) performed at Invitae indicates that this missense variant is expected to disrupt LAMA2 protein function. In summary, the available evidence is currently insufficient to determine the role of this variant in disease. Therefore, it has been classified as a Variant of Uncertain Significance.

Revvity Omics, Revvity
Classification: Uncertain significance. Last evaluated: 2019-07-03. Review status: criteria provided, single submitter. Criteria: ACMG Guidelines, 2015. Collection method: clinical testing. Allele origin: germline.

Illumina Laboratory Services, Illumina
Classification: Uncertain significance for Congenital muscular dystrophy due to partial LAMA2 deficiency. Last evaluated: 2018-01-12. Review status: criteria provided, single submitter. Criteria: ICSL Variant Classification Criteria 13 December 2019. Collection method: clinical testing. Allele origin: germline.

NM_000426.4(LAMA2):c.4258T>C (p.Cys1420Arg)

Gene: LAMA2 (laminin subunit alpha 2; plus strand). Cytogenetic location: 6q22.33.
Variant type: single nucleotide variant.
Coding change: c.4258T>C on transcript NM_000426.4 (MANE Select); coding-DNA position 4258, T replaced by C.
Protein change: p.Cys1420Arg; replaces cysteine 1420 with arginine.
Molecular consequence: missense variant.
Genome position (GRCh38, 1-based): chr6:129,328,359, T>C. VCF-style: chr6-129328359-T-C. GRCh37 (hg19) VCF-style: chr6-129649504-T-C.
Other names: c.4258T>C, p.Cys1420Arg (NM_001079823.2); short protein forms C1420R.
Identifiers: ClinVar variation 907948 (VCV000907948.7), dbSNP rs145592885, ClinGen allele CA3993497.